The following is an entry in ClinVar:

ClinVar aggregate classification (germline): Pathogenic/Likely pathogenic. Review status: criteria provided, multiple submitters, no conflicts (2 of 4 stars). 5 submissions from 5 submitters: Pathogenic (3); Likely pathogenic (1). 1 of the submissions does not count toward it. Last evaluated 2025-02-06.

Conditions:
TNF receptor-associated periodic fever syndrome (TRAPS) (FPF). Also called: FAMILIAL HIBERNIAN FEVER; TNF RECEPTOR-ASSOCIATED PERIODIC SYNDROME; TUMOR NECROSIS FACTOR RECEPTOR-ASSOCIATED PERIODIC SYNDROME; TNF Receptor-Associated Periodic Fever Syndrome; TNF receptor 1-associated periodic fever syndrome; Autosomal Dominant Familial Periodic Fever. Identifiers: Orphanet 32960, MedGen C1275126, MONDO:0007727, OMIM 142680.

Submissions (5):

GeneDx
Classification: Pathogenic. Last evaluated: 2025-02-06. Review status: criteria provided, single submitter. Criteria: GeneDx Variant Classification Process June 2021. Collection method: clinical testing. Allele origin: germline. Affected: yes.
Comment: In silico analysis supports that this missense variant has a deleterious effect on protein structure/function; Not observed at significant frequency in large population cohorts (gnomAD); Also known as p.(C70R); This variant is associated with the following publications: (PMID: 14610673, 26078218, 23894535, 31216807, 13130484, 11239851, 33131906, Agarwal2023[Case_report], 33715002, 11443543, 11817598)

Labcorp Genetics (formerly Invitae), Labcorp
Classification: Pathogenic for TNF receptor-associated periodic fever syndrome (TRAPS). Last evaluated: 2024-02-14. Review status: criteria provided, single submitter. Criteria: Invitae Variant Classification Sherloc (09022015). Collection method: clinical testing. Allele origin: germline.
Comment: This sequence change replaces cysteine, which is neutral and slightly polar, with arginine, which is basic and polar, at codon 99 of the TNFRSF1A protein (p.Cys99Arg). This variant is not present in population databases (gnomAD no frequency). This missense change has been observed in individual(s) with tumor necrosis factor receptor–associated periodic syndrome (TRAPS) (PMID: 11817598). In at least one individual the variant was observed to be de novo. This variant is also known as Cys70Arg. ClinVar contains an entry for this variant (Variation ID: 97686). Advanced modeling of protein sequence and biophysical properties (such as structural, functional, and spatial information, amino acid conservation, physicochemical variation, residue mobility, and thermodynamic stability) has been performed at Invitae for this missense variant, however the output from this modeling did not meet the statistical confidence thresholds required to predict the impact of this variant on TNFRSF1A protein function. This variant disrupts the p.Cys99 amino acid residue in TNFRSF1A. Other variant(s) that disrupt this residue have been determined to be pathogenic (PMID: 11239851, 13130484, 14610673, 23894535, 26078218, 31216807). This suggests that this residue is clinically significant, and that variants that disrupt this residue are likely to be disease-causing. For these reasons, this variant has been classified as Pathogenic.

CeGaT Center for Human Genetics Tuebingen
Classification: Pathogenic. Last evaluated: 2017-06-01. Review status: criteria provided, single submitter. Criteria: CeGaT Center For Human Genetics Tuebingen Variant Classification Criteria Version 2. Collection method: clinical testing. Allele origin: germline. Affected: yes. Observed: 1 variant allele.

Suma Genomics
Classification: Likely pathogenic for TNF receptor-associated periodic fever syndrome (TRAPS). Review status: criteria provided, single submitter. Criteria: ACMG Guidelines, 2015. Collection method: clinical testing. Allele origin: de novo. Inheritance: Autosomal dominant inheritance. Affected: yes.

Unité médicale des maladies autoinflammatoires, CHRU Montpellier
No classification provided. Condition: TNF receptor-associated periodic fever syndrome (TRAPS). Review status: no classification provided. Collection method: not provided. Allele origin: unknown. Not counted in ClinVar's aggregate classification.

Literature cited by the submitters: PubMed 11817598 (cited by Labcorp Genetics (formerly Invitae), Labcorp); PubMed 11239851 (cited by Labcorp Genetics (formerly Invitae), Labcorp); PubMed 13130484 (cited by Labcorp Genetics (formerly Invitae), Labcorp); PubMed 14610673 (cited by Labcorp Genetics (formerly Invitae), Labcorp); PubMed 23894535 (cited by Labcorp Genetics (formerly Invitae), Labcorp); PubMed 26078218 (cited by Labcorp Genetics (formerly Invitae), Labcorp); PubMed 31216807 (cited by Labcorp Genetics (formerly Invitae), Labcorp).

NM_001065.4(TNFRSF1A):c.295T>C (p.Cys99Arg)

Gene: TNFRSF1A (TNF receptor superfamily member 1A; minus strand). Cytogenetic location: 12p13.31.
Variant type: single nucleotide variant.
Coding change: c.295T>C on transcript NM_001065.4 (MANE Select); coding-DNA position 295, T replaced by C.
Protein change: p.Cys99Arg; replaces cysteine 99 with arginine.
Molecular consequence: missense variant. On other transcripts: 5 prime UTR variant (2), non-coding transcript variant (1).
Genome position (GRCh38, 1-based): chr12:6,333,764, A>G on the plus strand (T>C on the coding strand, the complement: TNFRSF1A is on the minus strand). VCF-style: chr12-6333764-A-G. GRCh37 (hg19) VCF-style: chr12-6442930-A-G.
Other names: c.-30T>C (NM_001346091.2); c.-283T>C (NM_001346092.2); short protein forms C99R.
Identifiers: ClinVar variation 97686 (VCV000097686.48), dbSNP rs104895228, ClinGen allele CA280815.